The following is an entry in ClinVar:

NM_001386298.1(CIC):c.5531G>C (p.Gly1844Ala)

Gene: CIC (capicua transcriptional repressor; plus strand). Cytogenetic location: 19q13.2.
Variant type: single nucleotide variant.
Coding change: c.5531G>C on transcript NM_001386298.1 (MANE Select); coding-DNA position 5531, G replaced by C.
Protein change: p.Gly1844Ala; replaces glycine 1844 with alanine.
Molecular consequence: missense variant.
Genome position (GRCh38, 1-based): chr19:42,291,663, G>C. VCF-style: chr19-42291663-G-C. GRCh37 (hg19) VCF-style: chr19-42795815-G-C.
Other names: c.5531G>C, p.Gly1844Ala (NM_001304815.2, NM_001379480.1, NM_001379482.1); c.2804G>C, p.Gly935Ala (NM_001379484.1, NM_001379485.1, NM_015125.5); short protein forms G1844A, G935A.
Identifiers: ClinVar variation 3376442 (VCV003376442.1).

ClinVar aggregate classification (germline): Uncertain significance (1 of 4 stars; one submission).

Conditions:
Intellectual developmental disorder, autosomal dominant 45. Also called: MENTAL RETARDATION, AUTOSOMAL DOMINANT 45; Intellectual disability, autosomal dominant 45. Identifiers: MedGen C4539848, MONDO:0030910, OMIM 617600.

gnomAD v4.1: 1 of 1,613,026 alleles (0.000062%); highest among the groups gnomAD compares: African/African-American, 0.0013%; no homozygotes.

Submission:

Pittsburgh Clinical Genomics Laboratory, University of Pittsburgh Medical Center
Classification: Uncertain significance for Intellectual developmental disorder, autosomal dominant 45. Last evaluated: 2024-06-06. Review status: criteria provided, single submitter. Criteria: ACMG Guidelines, 2015. Collection method: clinical testing. Allele origin: germline. Inheritance: Autosomal dominant inheritance. Affected: yes.
Comment: This sequence variant is a single nucleotide substitution (G>C) at position 2804 of the coding sequence of the CIC gene that results in a glycine to alanine amino acid change at residue 935 of the capicua transcriptional repressor protein. This variant is absent from ClinVar and published literature. This variant is present in 1/833108 alleles (0.00012%) in the gnomAD v4.0.0 population database. Multiple bioinformatic tools predict that this amino acid change would be neutral, and the Gly935 residue at this position is highly conserved across the vertebrate species examined. Studies examining the functional consequence of this variant have not been performed, to our knowledge. At this time, there is insufficient evidence to determine if this variant is pathogenic or benign. Therefore, we consider this a variant of uncertain significance. ACMG Criteria: BP4, PM2